The following is an entry in ClinVar:

NM_052947.4(ALPK2):c.2089G>T (p.Val697Phe)

Gene: ALPK2 (alpha kinase 2; minus strand). Cytogenetic location: 18q21.31.
Variant type: single nucleotide variant.
Coding change: c.2089G>T on transcript NM_052947.4 (MANE Select); coding-DNA position 2089, G replaced by T.
Protein change: p.Val697Phe; replaces valine 697 with phenylalanine.
Molecular consequence: missense variant.
Genome position (GRCh38, 1-based): chr18:58,538,098, C>A on the plus strand (G>T on the coding strand, the complement: ALPK2 is on the minus strand). VCF-style: chr18-58538098-C-A. GRCh37 (hg19) VCF-style: chr18-56205330-C-A.
Other names: short protein forms V697F.
Identifiers: ClinVar variation 1785689 (VCV001785689.3), dbSNP rs1411847615, ClinGen allele CA402571733.
Genomic context (GRCh38, chr18:58,538,098, plus strand): 5'-GACCACAGGTACAGGGTTTGACCTCCGAGTGTTGAGCTAATGATGCATTTTCCTTGTGGA[C>A]CCCTCCTAAGTTTGAGAAGGAAATTGTTGTGGTCCCAGTGAATGGGGACTCCTCCCCAGC-3'
Protein context (NP_443179.3, residues 687-707): TTISFSNLGG[Val697Phe]HKENASLAQH

ClinVar aggregate classification (germline): Uncertain significance (1 of 4 stars; one submission).

Submission:

Ambry Genetics
Classification: Uncertain significance. Last evaluated: 2024-06-06. Review status: criteria provided, single submitter. Criteria: Ambry Variant Classification Scheme 2023. Collection method: clinical testing. Allele origin: germline.
Comment: The p.V697F variant (also known as c.2089G>T), located in coding exon 4 of the ALPK2 gene, results from a G to T substitution at nucleotide position 2089. The valine at codon 697 is replaced by phenylalanine, an amino acid with highly similar properties. This amino acid position is conserved. In addition, this alteration is predicted to be tolerated by in silico analysis. Since supporting evidence is limited at this time, the clinical significance of this alteration remains unclear.